The following is an entry in ClinVar:

ClinVar aggregate classification (germline): Uncertain significance (1 of 4 stars; one submission).

Conditions:
Congenital hypogonadotropic hypogonadism. Identifiers: Orphanet 174590, MedGen C3899503, MONDO:0015770.

gnomAD v4.1: 31 of 1,614,136 alleles (0.0019%); highest among the groups gnomAD compares: South Asian, 0.019%; 1 homozygote.

Submission:

Department of Pediatrics, Asan Medical Center, University of Ulsan College of Medicine
Classification: Uncertain significance for Congenital hypogonadotropic hypogonadism. Last evaluated: 2026-07-19. Review status: criteria provided, single submitter. Criteria: ACMG Guidelines, 2015. Collection method: research. Allele origin: germline. Inheritance: Autosomal dominant inheritance. Affected: yes. Observed: 1 heterozygote.
Comment: ACMG/AMP evidence codes: PM2_Supporting. In silico predictions: CADD 29.2, PolyPhen-2 probably damaging, SIFT damaging, REVEL 0.416, MutationTaster disease causing. Not found in gnomAD. Novel variant.

NM_001374353.1(GLI2):c.2152G>A (p.Glu718Lys)

Gene: GLI2 (GLI family zinc finger 2; plus strand). Cytogenetic location: 2q14.2.
Variant type: single nucleotide variant.
Coding change: c.2152G>A on transcript NM_001374353.1 (MANE Select); coding-DNA position 2152, G replaced by A.
Protein change: p.Glu718Lys; replaces glutamic acid 718 with lysine.
Molecular consequence: missense variant.
Genome position (GRCh38, 1-based): chr2:120,986,524, G>A. VCF-style: chr2-120986524-G-A. GRCh37 (hg19) VCF-style: chr2-121744100-G-A.
Other names: c.2203G>A, p.Glu735Lys (NM_001371271.1, NM_005270.5); c.1777G>A, p.Glu593Lys (NM_001374354.1); short protein forms E593K, E718K, E735K.
Identifiers: ClinVar variation 4879453 (VCV004879453.1).